The following is an entry in ClinVar:

NM_001401501.2(MUC16):c.42795T>G (p.Thr14265=)

Gene: MUC16 (mucin 16, cell surface associated; minus strand). Cytogenetic location: 19p13.2.
Variant type: single nucleotide variant.
Coding change: c.42795T>G on transcript NM_001401501.2 (MANE Select); coding-DNA position 42795, T replaced by G.
Protein change: p.Thr14265=; no amino-acid change (threonine 14265 retained).
Molecular consequence: synonymous variant.
Genome position (GRCh38, 1-based): chr19:8,891,871, A>C on the plus strand (T>G on the coding strand, the complement: MUC16 is on the minus strand). VCF-style: chr19-8891871-A-C. GRCh37 (hg19) VCF-style: chr19-9002547-A-C.
Other names: c.43221T>G, p.Thr14407= (NM_001414686.1); c.42675T>G, p.Thr14225= (NM_001414687.1); c.40269T>G, p.Thr13423= (NM_024690.2).
Identifiers: ClinVar variation 3046028 (VCV003046028.2), dbSNP rs777353828, ClinGen allele CA9163481.

ClinVar aggregate classification (germline): Likely benign (0 of 4 stars; one submission).

Conditions:
MUC16-related disorder. Also called: MUC16-related condition.

Allele frequency attached by ClinVar (database versions not stated): ExAC 0.00029.

Submission:

PreventionGenetics, part of Exact Sciences
Classification: Likely benign for MUC16-related condition. Last evaluated: 2019-11-13. Review status: no assertion criteria provided. Collection method: clinical testing. Allele origin: germline.
Comment: This variant is classified as likely benign based on ACMG/AMP sequence variant interpretation guidelines (Richards et al. 2015 PMID: 25741868, with internal and published modifications).